The following is an entry in ClinVar:

ClinVar aggregate classification (germline): Uncertain significance. Review status: criteria provided, multiple submitters, no conflicts (2 of 4 stars). 4 submissions from 4 submitters: Uncertain significance (3). 1 of the submissions does not count toward it. Last evaluated 2025-08-30.

Conditions:
Hereditary cancer-predisposing syndrome. Also called: Hereditary Cancer Syndrome; Hereditary neoplastic syndrome; Tumor predisposition; Neoplastic Syndromes, Hereditary. Identifiers: Orphanet 140162, MedGen C0027672, MeSH D009386, MONDO:0015356.
Familial cancer of breast. Also called: BREAST CANCER, FAMILIAL; hereditary breast carcinoma; Hereditary breast cancer. Identifiers: Orphanet 227535, MedGen C0346153, MONDO:0016419, OMIM 114480. Disease mechanism: loss of function.

Allele frequency attached by ClinVar (database versions not stated): TOPMed below 0.00001; gnomAD 0.00001.

Submissions (4):

Ambry Genetics
Classification: Uncertain significance for Hereditary cancer-predisposing syndrome. Last evaluated: 2025-08-30. Review status: criteria provided, single submitter. Criteria: Ambry Variant Classification Scheme 2023. Collection method: clinical testing. Allele origin: germline.
Comment: The p.S319Y variant (also known as c.956C>A), located in coding exon 4 of the PALB2 gene, results from a C to A substitution at nucleotide position 956. The serine at codon 319 is replaced by tyrosine, an amino acid with dissimilar properties. This alteration was reported in 1/747 Australasian women with a personal history of early-onset breast cancer and a family history of multiple cases of breast cancer (Teo ZL et al. Breast Cancer Res. 2013 Feb; 15(1):R17). However, this alteration was also observed with an allele frequency of 0.0009 in 11241 female controls of Japanese ancestry and was not observed in 7051 unselected breast cancer cases (Momozawa Y et al Nat Commun 2018 Oct;9(1):4083). In one study, this alteration was found to be functionally normal in a homology-directed DNA repair (HDR) assay (Wiltshire T et al. Genet Med, 2020 03;22:622-632). In another study, this alteration was found to have normal activity in a PARP inhibitor sensitivity assay, a RAD51 foci formation assay and a homology-directed DNA repair (HDR) assay, but was found to have abnormal activity in a BRCA1/BRCA2 binding assay (Rodrigue A et al. Nucleic Acids Res, 2019 11;47:10662-10677). This amino acid position is poorly conserved in available vertebrate species. In addition, this alteration is predicted to be tolerated by in silico analysis. Since supporting evidence is limited at this time, the clinical significance of this alteration remains unclear.

Labcorp Genetics (formerly Invitae), Labcorp
Classification: Uncertain significance for Familial cancer of breast. Last evaluated: 2025-06-06. Review status: criteria provided, single submitter. Criteria: Invitae Variant Classification Sherloc (09022015). Collection method: clinical testing. Allele origin: germline.
Comment: This sequence change replaces serine, which is neutral and polar, with tyrosine, which is neutral and polar, at codon 319 of the PALB2 protein (p.Ser319Tyr). This variant is not present in population databases (gnomAD no frequency). This missense change has been observed in individual(s) with breast cancer (PMID: 23448497). ClinVar contains an entry for this variant (Variation ID: 126782). Invitae Evidence Modeling of protein sequence and biophysical properties (such as structural, functional, and spatial information, amino acid conservation, physicochemical variation, residue mobility, and thermodynamic stability) indicates that this missense variant is not expected to disrupt PALB2 protein function with a negative predictive value of 80%. Experimental studies are conflicting or provide insufficient evidence to determine the effect of this variant on PALB2 function (PMID: 31586400, 31636395, 33139182). In summary, the available evidence is currently insufficient to determine the role of this variant in disease. Therefore, it has been classified as a Variant of Uncertain Significance.

Color Diagnostics, LLC DBA Color Health
Classification: Uncertain significance for Hereditary cancer-predisposing syndrome. Last evaluated: 2024-07-29. Review status: criteria provided, single submitter. Criteria: ACMG Guidelines, 2015. Collection method: clinical testing. Allele origin: germline.
Comment: This missense variant replaces serine with tyrosine at codon 319 of the PALB2 protein. Computational prediction suggests that this variant may not impact protein structure and function. Functional studies reported that this variant did not impact PALB2 function in homology-directed repair, DNA damage localization and PARP inhibitor sensitivity assays (PMID: 31586400, 31636395) and partially reduced binding to BRCA1 and RAD51 foci formation (PMID: 31586400). This variant has been reported in breast cancer case-control studies in 1 case and 2 unaffected individuals (PMID: 30287823, 33471991; Leiden Open Variation Database DB-ID PALB2_010187) and in a hereditary breast cancer family (PMID: 23448497). This variant also has been reported in pancreatic and prostate cancer case-control studies in which it was not detected in cases and observed in 3 unaffected individuals (PMID: 31214711, 32980694). This variant has not been identified in the general population by the Genome Aggregation Database (gnomAD). The available evidence is insufficient to determine the role of this variant in disease conclusively. Therefore, this variant is classified as a Variant of Uncertain Significance.

Leiden Open Variation Database
Classification: Uncertain significance for Familial cancer of breast. Last evaluated: 2019-05-13. Review status: no assertion criteria provided. Collection method: curation. Allele origin: germline. Affected: no. Not counted in ClinVar's aggregate classification.
Comment: Curators: Marc Tischkowitz, Arleen D. Auerbach. Submitters to LOVD: Marc Tischkowitz, Yukihide Momozawa.

Literature cited by the submitters: PubMed 23448497 (cited by 4 submitters); PubMed 30287823 (cited by 3 submitters); PubMed 31586400 (cited by 3 submitters); PubMed 31636395 (cited by 3 submitters); PubMed 33139182 (cited by Labcorp Genetics (formerly Invitae), Labcorp); PubMed 31214711 (cited by Color Diagnostics, LLC DBA Color Health); PubMed 32980694 (cited by Color Diagnostics, LLC DBA Color Health); PubMed 33471991 (cited by Color Diagnostics, LLC DBA Color Health).

NM_024675.4(PALB2):c.956C>A (p.Ser319Tyr)

Gene: PALB2 (partner and localizer of BRCA2; minus strand). Cytogenetic location: 16p12.2.
Variant type: single nucleotide variant.
Coding change: c.956C>A on transcript NM_024675.4 (MANE Select); coding-DNA position 956, C replaced by A.
Protein change: p.Ser319Tyr; replaces serine 319 with tyrosine.
Molecular consequence: missense variant.
Genome position (GRCh38, 1-based): chr16:23,635,590, G>T on the plus strand (C>A on the coding strand, the complement: PALB2 is on the minus strand). VCF-style: chr16-23635590-G-T. GRCh37 (hg19) VCF-style: chr16-23646911-G-T.
Other names: short protein forms S319Y.
Identifiers: ClinVar variation 126782 (VCV000126782.21), dbSNP rs200144401, ClinGen allele CA269666.